The following is an entry in ClinVar:

NM_000548.5(TSC2):c.149T>C (p.Met50Thr)

Gene: TSC2 (TSC complex subunit 2; plus strand). Cytogenetic location: 16p13.3.
Variant type: single nucleotide variant.
Coding change: c.149T>C on transcript NM_000548.5 (MANE Select); coding-DNA position 149, T replaced by C.
Protein change: p.Met50Thr; replaces methionine 50 with threonine.
Molecular consequence: missense variant. On other transcripts: initiator codon variant (1), 5 prime UTR variant (1).
Genome position (GRCh38, 1-based): chr16:2,050,410, T>C. VCF-style: chr16-2050410-T-C. GRCh37 (hg19) VCF-style: chr16-2100411-T-C.
Other names: c.149T>C, p.Met50Thr (NM_001077183.3, NM_001114382.3, NM_001318827.2 and 4 more transcripts); c.2T>C, p.Met1Thr (NM_001318829.2); c.-78T>C (NM_001318831.2); c.182T>C, p.Met61Thr (NM_001318832.2); short protein forms M50T, M61T, M1T.
Identifiers: ClinVar variation 406067 (VCV000406067.10), dbSNP rs1060500955, ClinGen allele CA16614895.

ClinVar aggregate classification (germline): Uncertain significance. Review status: criteria provided, multiple submitters, no conflicts (2 of 4 stars). 4 submissions from 4 submitters: Uncertain significance (4). Last evaluated 2026-08-20.

Conditions:
Tuberous sclerosis 2 (TSC2). Identifiers: Orphanet 805, MedGen C1860707, MONDO:0013199, OMIM 613254.
Hereditary cancer-predisposing syndrome. Also called: Neoplastic Syndromes, Hereditary; Hereditary Cancer Syndrome; Tumor predisposition; Hereditary neoplastic syndrome. Identifiers: Orphanet 140162, MedGen C0027672, MeSH D009386, MONDO:0015356.

Allele frequency attached by ClinVar (database versions not stated): TOPMed below 0.00001.
gnomAD v4.1: 2 of 1,613,872 alleles (0.00012%); highest among the groups gnomAD compares: South Asian, 0.0011%; no homozygotes.

Submissions (4):

Ambry Genetics
Classification: Uncertain significance for Hereditary cancer-predisposing syndrome. Last evaluated: 2026-08-20. Review status: criteria provided, single submitter. Criteria: Ambry Variant Classification Scheme 2023. Collection method: clinical testing. Allele origin: germline.
Comment: The p.M50T variant (also known as c.149T>C), located in coding exon 2 of the TSC2 gene, results from a T to C substitution at nucleotide position 149. The methionine at codon 50 is replaced by threonine, an amino acid with similar properties. This amino acid position is poorly conserved in available vertebrate species. In addition, this alteration is predicted to be tolerated by in silico analysis. Based on the available evidence, the clinical significance of this variant remains unclear.

Labcorp Genetics (formerly Invitae), Labcorp
Classification: Uncertain significance for Tuberous sclerosis 2. Last evaluated: 2024-06-03. Review status: criteria provided, single submitter. Criteria: Invitae Variant Classification Sherloc (09022015). Collection method: clinical testing. Allele origin: germline.
Comment: This sequence change replaces methionine, which is neutral and non-polar, with threonine, which is neutral and polar, at codon 50 of the TSC2 protein (p.Met50Thr). This variant is not present in population databases (gnomAD no frequency). This variant has not been reported in the literature in individuals affected with TSC2-related conditions. ClinVar contains an entry for this variant (Variation ID: 406067). Advanced modeling of protein sequence and biophysical properties (such as structural, functional, and spatial information, amino acid conservation, physicochemical variation, residue mobility, and thermodynamic stability) performed at Invitae indicates that this missense variant is not expected to disrupt TSC2 protein function with a negative predictive value of 95%. In summary, the available evidence is currently insufficient to determine the role of this variant in disease. Therefore, it has been classified as a Variant of Uncertain Significance.

GeneDx
Classification: Uncertain significance. Last evaluated: 2022-11-18. Review status: criteria provided, single submitter. Criteria: GeneDx Variant Classification Process June 2021. Collection method: clinical testing. Allele origin: germline. Affected: yes.
Comment: Not observed at significant frequency in large population cohorts (gnomAD); In silico analysis supports that this missense variant does not alter protein structure/function; Has not been previously published as pathogenic or benign to our knowledge; This variant is associated with the following publications: (PMID: 18466115)

Sema4
Classification: Uncertain significance for Hereditary cancer-predisposing syndrome. Last evaluated: 2022-03-17. Review status: criteria provided, single submitter. Criteria: Sema4 Curation Guidelines. Collection method: curation. Allele origin: germline.
Comment: The TSC2 c.149T>C (p.M50T) variant has not been reported in the literature to our knowledge. It was not observed in the large and broad cohorts of the Genome Aggregation Database (PMID: 32461654). This variant has been reported in ClinVar (Variation ID 406067). Functional studies have not been performed, and in silico predictions of the variant's effect on protein function are inconclusive. The evidence is insufficient to meet ACMG/AMP criteria for classifying the variant as benign or pathogenic. Thus, the clinical significance of this variant is currently uncertain.